The following is an entry in ClinVar:

NM_001197104.2(KMT2A):c.841C>G (p.Leu281Val)

Gene: KMT2A (lysine methyltransferase 2A; plus strand). Cytogenetic location: 11q23.3.
Variant type: single nucleotide variant.
Coding change: c.841C>G on transcript NM_001197104.2 (MANE Select); coding-DNA position 841, C replaced by G.
Protein change: p.Leu281Val; replaces leucine 281 with valine.
Molecular consequence: missense variant.
Genome position (GRCh38, 1-based): chr11:118,472,000, C>G. VCF-style: chr11-118472000-C-G. GRCh37 (hg19) VCF-style: chr11-118342715-C-G.
Other names: c.940C>G, p.Leu314Val (NM_001412597.1); c.841C>G, p.Leu281Val (NM_005933.4); short protein forms L281V, L314V.
Identifiers: ClinVar variation 2501111 (VCV002501111.4), dbSNP rs2496793717, ClinGen allele CA382808124.

ClinVar aggregate classification (germline): Uncertain significance. Review status: criteria provided, multiple submitters, no conflicts (2 of 4 stars). 2 submissions from 2 submitters: Uncertain significance (2). Last evaluated 2023-03-30.

Allele frequency attached by ClinVar (database versions not stated): gnomAD exomes below 0.00001.
gnomAD v4.1: 2 of 1,613,984 alleles (0.00012%); highest among the groups gnomAD compares: Middle Eastern, 0.017%; no homozygotes.

Submissions (2):

Women's Health and Genetics/Laboratory Corporation of America, LabCorp
Classification: Uncertain significance. Last evaluated: 2023-03-30. Review status: criteria provided, single submitter. Criteria: LabCorp Variant Classification Summary - May 2015. Collection method: clinical testing. Allele origin: germline.
Comment: Variant summary: KMT2A c.841C>G (p.Leu281Val) results in a conservative amino acid change in the encoded protein sequence. Three of five in-silico tools predict a damaging effect of the variant on protein function. The variant was absent in 249336 control chromosomes (gnomAD). The available data on variant occurrences in the general population are insufficient to allow any conclusion about variant significance. To our knowledge, no occurrence of c.841C>G in individuals affected with Wiedemann-Steiner Syndrome and no experimental evidence demonstrating its impact on protein function have been reported. No clinical diagnostic laboratories have submitted clinical-significance assessments for this variant to ClinVar after 2014. Based on the evidence outlined above, the variant was classified as uncertain significance.

Labcorp Genetics (formerly Invitae), Labcorp
Classification: Uncertain significance. Last evaluated: 2023-03-24. Review status: criteria provided, single submitter. Criteria: Invitae Variant Classification Sherloc (09022015). Collection method: clinical testing. Allele origin: germline.
Comment: Advanced modeling of protein sequence and biophysical properties (such as structural, functional, and spatial information, amino acid conservation, physicochemical variation, residue mobility, and thermodynamic stability) has been performed at Invitae for this missense variant, however the output from this modeling did not meet the statistical confidence thresholds required to predict the impact of this variant on KMT2A protein function. In summary, the available evidence is currently insufficient to determine the role of this variant in disease. Therefore, it has been classified as a Variant of Uncertain Significance. This variant has not been reported in the literature in individuals affected with KMT2A-related conditions. This sequence change replaces leucine, which is neutral and non-polar, with valine, which is neutral and non-polar, at codon 281 of the KMT2A protein (p.Leu281Val). This variant is not present in population databases (gnomAD no frequency).